The following is an entry in ClinVar:

ClinVar aggregate classification (germline): Benign/Likely benign. Review status: criteria provided, multiple submitters, no conflicts (2 of 4 stars). 2 submissions from 2 submitters: Benign (1); Likely benign (1). Last evaluated 2026-07-30.

Conditions:
Hereditary cancer-predisposing syndrome. Also called: Neoplastic Syndromes, Hereditary; Tumor predisposition; Hereditary Cancer Syndrome; Hereditary neoplastic syndrome. Identifiers: Orphanet 140162, MedGen C0027672, MeSH D009386, MONDO:0015356.
DICER1-related tumor predisposition. Also called: DICER1-related pleuropulmonary blastoma cancer predisposition syndrome; DICER1 syndrome. Identifiers: Orphanet 284343, MedGen C3839822, MONDO:0100216.

gnomAD v4.1: 1 of 1,613,612 alleles (0.000062%); highest among the groups gnomAD compares: Non-Finnish European, 0.000085%; no homozygotes.

Submissions (2):

Ambry Genetics
Classification: Likely benign for Hereditary cancer-predisposing syndrome. Last evaluated: 2026-07-30. Review status: criteria provided, single submitter. Criteria: Ambry Variant Classification Scheme 2023. Collection method: clinical testing. Allele origin: germline.

Myriad Genetics, Inc.
Classification: Benign for DICER1-related tumor predisposition. Last evaluated: 2026-04-15. Review status: criteria provided, single submitter. Criteria: Myriad Autosomal Dominant, Autosomal Recessive and X-Linked Classification Criteria (2023). Collection method: clinical testing. Allele origin: unknown.
Comment: This variant is considered benign. This variant is a silent/synonymous amino acid change and it is not expected to impact splicing.

NM_177438.3(DICER1):c.928T>C (p.Leu310=)

Gene: DICER1 (dicer 1, ribonuclease III; minus strand). Cytogenetic location: 14q32.13.
Variant type: single nucleotide variant.
Coding change: c.928T>C on transcript NM_177438.3 (MANE Select); coding-DNA position 928, T replaced by C.
Protein change: p.Leu310=; no amino-acid change (leucine 310 retained).
Molecular consequence: synonymous variant. On other transcripts: 5 prime UTR variant (1), non-coding transcript variant (6).
Genome position (GRCh38, 1-based): chr14:95,124,644, A>G on the plus strand (T>C on the coding strand, the complement: DICER1 is on the minus strand). VCF-style: chr14-95124644-A-G. GRCh37 (hg19) VCF-style: chr14-95590981-A-G.
Other names: c.928T>C, p.Leu310= (NM_001395677.1, NM_001395678.1, NM_001395679.1 and 14 more transcripts); c.646T>C, p.Leu216= (NM_001395686.1); c.523T>C, p.Leu175= (NM_001395687.1, NM_001395688.1, NM_001395689.1 and 3 more transcripts); c.361T>C, p.Leu121= (NM_001395691.1); c.-641T>C (NM_001395697.1).
Identifiers: ClinVar variation 4876002 (VCV004876002.2).